The following is an entry in ClinVar:

NM_002617.4(PEX10):c.814_815del (p.Leu272fs)

Gene: PEX10 (peroxisomal biogenesis factor 10; minus strand). Cytogenetic location: 1p36.32.
Variant type: Deletion.
Coding change: c.814_815del on transcript NM_002617.4 (MANE Select); coding-DNA positions 814 to 815, 2 bases deleted (CT; older notation c.814_815delCT).
Protein change: p.Leu272fs; shifts the reading frame from leucine 272.
Molecular consequence: frameshift variant. On other transcripts: non-coding transcript variant (1).
Genome position (GRCh38, 1-based): chr1:2,406,581-2,406,582, AG deleted on the plus strand (CT on the coding strand, the reverse complement: PEX10 is on the minus strand). VCF-style (leftmost placement, unchanged base first): chr1-2406580-CAG-C. GRCh37 (hg19) VCF-style: chr1-2338019-CAG-C.
Other names: PEX10delta814/815; c.874_875delCT (NM_153818.1, NM_153818.2); c.871_872del, p.Leu291fs (NM_001374425.1); c.439_440del, p.Leu147fs (NM_001374426.1); c.382_383del, p.Leu128fs (NM_001374427.1); c.874_875del, p.Leu292fs (NM_153818.2); short protein forms L272fs, L292fs, L128fs, L147fs, L291fs.
Identifiers: ClinVar variation 296273 (VCV000296273.40), dbSNP rs61752093, ClinGen allele CA538007.

ClinVar aggregate classification (germline): Pathogenic/Likely pathogenic. Review status: criteria provided, multiple submitters, no conflicts (2 of 4 stars). 16 submissions from 15 submitters: Pathogenic (11); Likely pathogenic (1). 4 of the submissions do not count toward it. Last evaluated 2026-01-25.

Conditions:
PEX10-related disorder. Also called: PEX10-related condition.
Zellweger spectrum disorders (ZS). Also called: Zellweger syndrome; Zellweger Spectrum Disorder (ZSD); Zellweger Spectrum Disorder; Zellweger Spectrum. Identifiers: Orphanet 912, MedGen C0043459, MONDO:0019609.
Peroxisome biogenesis disorder, complementation group 7 (CG7). Also called: Peroxisome biogenesis disorder, complementation group B. Identifiers: MedGen C1864399.
Peroxisome biogenesis disorder 6B (PBD6B). Identifiers: Orphanet 44, MedGen C3553948, MONDO:0013937, OMIM 614871.
Peroxisome biogenesis disorder 6A (Zellweger). Also called: Peroxisome biogenesis disorder 6A. Identifiers: Orphanet 912, MedGen C3553947, MONDO:0013936, OMIM 614870.
Peroxisome biogenesis disorder. Identifiers: Orphanet 79189, MedGen C1832200, MONDO:0019234. Disease mechanism: loss of function.

Allele frequency attached by ClinVar (database versions not stated): gnomAD exomes 0.00003 and 0.00004; ExAC 0.00005; gnomAD 0.00006; TOPMed 0.00006; ESP Exome Variant Server 0.00016.

Submissions (16):

Labcorp Genetics (formerly Invitae), Labcorp
Classification: Pathogenic for Peroxisome biogenesis disorder, complementation group 7. Last evaluated: 2026-01-25. Review status: criteria provided, single submitter. Criteria: Invitae Variant Classification Sherloc (09022015). Collection method: clinical testing. Allele origin: germline.
Comment: This sequence change creates a premature translational stop signal (p.Leu292Valfs*66) in the PEX10 gene. While this is not anticipated to result in nonsense mediated decay, it is expected to disrupt the last 55 amino acid(s) of the PEX10 protein. This variant is present in population databases (rs61752093, gnomAD 0.02%). This premature translational stop signal has been observed in individuals with Zellweger peroxisome deficiency syndrome (PMID: 9700193, 10862081, 12794690, 17041890, 19142205, 21031596). It is commonly reported in individuals of Japanese ancestry (PMID: 12794690). This variant is also known as c.814–815delCT and Leu272fs. ClinVar contains an entry for this variant (Variation ID: 296273). Algorithms developed to predict the effect of variants on gene product structure and function are not available or were not evaluated for this variant. Experimental studies have shown that this premature translational stop signal affects PEX10 function (PMID: 9700193, 10862081). For these reasons, this variant has been classified as Pathogenic.

Natera, Inc.
Classification: Pathogenic for Zellweger syndrome. Last evaluated: 2025-08-29. Review status: criteria provided, single submitter. Criteria: Natera Variant Classification Schema (03/2026). Collection method: clinical testing. Allele origin: germline.
Comment: The c.874_875delCT variant in PEX10 is a frameshift variant predicted to elongate the protein beyond the termination codon. This variant is expected to result in nonsense mediated decay, truncation, or a dysfunctional protein product. This variant is rare in the general population with a frequency below the threshold expected for the associated phenotype(s). This variant has been observed in one or more individuals affected with the associated recessive disease, as either homozygous or compound heterozygous with a second variant (PMID: 12794690). Given the available evidence, this variant is classified as Pathogenic.

Variantyx, Inc.
Classification: Likely pathogenic for Peroxisome biogenesis disorder 6A (Zellweger). Last evaluated: 2025-08-23. Review status: criteria provided, single submitter. Criteria: Variantyx Assertion Criteria 2022. Collection method: clinical testing. Allele origin: paternal. Inheritance: Autosomal recessive inheritance.
Comment: Pathogenic variants in this gene have been associated with autosomal recessive peroxisome biogenesis disorder 6A (Zellweger). This splicing variant is expected to result in loss of function as shown by functional studies and loss of function is a known disease mechanism for PEX10 in this disorder (PMID: 9700193, 10862081) (PVS1). This is an established founder variant in the Japanese population (PMID: 12794690) (PS4). It has a 0.0386% maximum allele frequency in non-founder control populations (PM2_Supporting). Based on the current evidence, this variant is classified as pathogenic for autosomal recessive peroxisome biogenesis disorder 6A (Zellweger)

Women's Health and Genetics/Laboratory Corporation of America, LabCorp
Classification: Pathogenic for Peroxisome biogenesis disorder. Last evaluated: 2025-03-03. Review status: criteria provided, single submitter. Criteria: LabCorp Variant Classification Summary - May 2015. Collection method: clinical testing. Allele origin: germline.
Comment: Variant summary: PEX10 c.874_875delCT (p.Leu292ValfsX66) causes a frameshift which results in an extension of the protein. The variant allele was found at a frequency of 3.6e-05 in 250340 control chromosomes. c.874_875delCT has been reported in the literature in multiple individuals affected with Zellweger Syndrome. The variant was reported in numerous affected individual, and was reported as a Japanese founder mutation. At least one publication reports experimental evidence evaluating an impact on protein function. The most pronounced variant effect results in <10% of normal activity. The following publications have been ascertained in the context of this evaluation (PMID: 21031596, 9371928, 12794690, 10862081). ClinVar contains an entry for this variant (Variation ID: 296273). Based on the evidence outlined above, the variant was classified as pathogenic.

GeneDx
Classification: Pathogenic. Last evaluated: 2024-03-26. Review status: criteria provided, single submitter. Criteria: GeneDx Variant Classification Process June 2021. Collection method: clinical testing. Allele origin: germline. Affected: yes.
Comment: Published functional studies demonstrated a loss of PEX10 activity in an in vitro assay, suggesting a damaging effect (PMID: 10862081); Frameshift variant predicted to result in protein elongation, as the last 55 amino acids are replaced with 65 different amino acids, and other loss-of-function variants have been reported downstream in HGMD; Also known as 814-815delCT; This variant is associated with the following publications: (PMID: 10862081, 19142205, 9700193, 12794690, 34234304)

Baylor Genetics
Classification: Pathogenic for Peroxisome biogenesis disorder 6A (Zellweger). Last evaluated: 2024-03-17. Review status: criteria provided, single submitter. Criteria: ACMG Guidelines, 2015. Collection method: clinical testing. Allele origin: unknown.

Fulgent Genetics
Classification: Pathogenic for Peroxisome biogenesis disorder 6A (Zellweger); Peroxisome biogenesis disorder 6B. Last evaluated: 2024-03-15. Review status: criteria provided, single submitter. Criteria: ACMG Guidelines, 2015. Collection method: clinical testing. Allele origin: germline.

Blueprint Genetics
Classification: Pathogenic for PEX10-related disorders. Last evaluated: 2021-10-18. Review status: criteria provided, single submitter. Criteria: ACMG Guidelines, 2015. Collection method: clinical testing. Allele origin: germline. Affected: yes. Observed: 5 variant alleles.

Revvity Omics, Revvity
Classification: Pathogenic. Last evaluated: 2019-09-11. Review status: criteria provided, single submitter. Criteria: ACMG Guidelines, 2015. Collection method: clinical testing. Allele origin: germline.

Eurofins Ntd Llc (ga)
Classification: Pathogenic. Last evaluated: 2017-10-09. Review status: criteria provided, single submitter. Criteria: EGL Classification Definitions 2015. Collection method: clinical testing. Allele origin: germline. Observed: 2 variant alleles, 1 heterozygote.

Illumina Laboratory Services, Illumina
Classification: Pathogenic for Peroxisome biogenesis disorder 6A (Zellweger). Last evaluated: 2017-04-27. Review status: criteria provided, single submitter. Criteria: ICSL Variant Classification Criteria 09 May 2019. Collection method: clinical testing. Allele origin: germline.
Comment: The PEX10 c.874_875delCT (p.Leu292ValfsTer66) variant causes a frameshift and is predicted to result in an elongation of the protein. The p.Leu292ValfsTer66 variant has been reported in at least four studies in which it is found in a homozygous state in at least 13 individuals with Zellweger syndrome and in an additional three alleles of unknown zygosity (Okumoto et al. 1998; Shimozawa et al. 2003; Krause et al. 2009; Ebberink et al. 2011). Eleven homozygotes for the p.Leu292ValfsTer66 variant shared a common haplotype, suggesting a founder effect for this variant in the Japanese population (Shimozawa et al. 2003). Control data are unavailable for the variant which is reported at a frequency of 0.00005 in the European (non-Finnish) population of the Exome Aggregation Consortium. The frameshift caused by the p.Leu292ValfsTer66 variant interrupts a RING motif that is essential for protein function (Okumoto et al. 1998). In vivo complementation analyses in patient fibroblasts demonstrated that the p.Leu292ValfsTer66 variant results in a deficiency in PEX10 protein activity (Okumoto et al. 1998). Based on the potential impact of frameshift variants and the supporting evidence, the p.Leu292ValfsTer66 variant is classified as pathogenic for Zellweger syndrome. This variant was observed by ICSL as part of a predisposition screen in an ostensibly healthy population.

Juno Genomics, Hangzhou Juno Genomics, Inc
Classification: Pathogenic for Peroxisome biogenesis disorder 6A (Zellweger); Peroxisome biogenesis disorder 6B. Review status: criteria provided, single submitter. Criteria: ACMG Guidelines, 2015. Collection method: clinical testing. Allele origin: germline.
Comment: Absent from controls (or at extremely low frequency if recessive) in Genome Aggregation Database.;Null variant in a gene where loss of function (LOF) is a known mechanism of disease.;For recessive disorders, detected in trans with a pathogenic variant.;Patient's phenotype or family history is highly specific for a disease with a single genetic etiology.

Counsyl
Classification: Pathogenic for Peroxisome biogenesis disorder 6A (Zellweger). Last evaluated: 2016-08-16. Review status: no assertion criteria provided. Collection method: clinical testing. Allele origin: unknown. Not counted in ClinVar's aggregate classification.

Counsyl
Classification: Pathogenic for Peroxisome biogenesis disorder 6B. Last evaluated: 2016-08-16. Review status: no assertion criteria provided. Collection method: clinical testing. Allele origin: unknown. Not counted in ClinVar's aggregate classification.

OMIM
Classification: Pathogenic for PEROXISOME BIOGENESIS DISORDER 6A (ZELLWEGER). Last evaluated: 2003-07-01. Review status: no assertion criteria provided. Collection method: literature only. Allele origin: germline. Not counted in ClinVar's aggregate classification.

GeneReviews
No classification provided. Condition: Peroxisome biogenesis disorder. Review status: no classification provided. Collection method: literature only. Allele origin: germline. Not counted in ClinVar's aggregate classification.
Comment: Common allele in the Japanese population, where it appears to have arisen once on an ancestral haplotype.

Literature cited by the submitters: PubMed 9700193 (cited by 4 submitters); PubMed 10862081 (cited by 3 submitters); PubMed 12794690 (cited by 7 submitters); PubMed 17041890 (cited by Labcorp Genetics (formerly Invitae), Labcorp); PubMed 19142205 (cited by Labcorp Genetics (formerly Invitae), Labcorp and Illumina Laboratory Services, Illumina); PubMed 21031596 (cited by 3 submitters); PubMed 9371928 (cited by Women's Health and Genetics/Laboratory Corporation of America, LabCorp); PubMed 20301621 (cited by GeneReviews).